The following is an entry in ClinVar:

NM_001270.4(CHD1):c.461C>T (p.Ser154Leu)

Gene: CHD1 (chromodomain helicase DNA binding protein 1; minus strand). Cytogenetic location: 5q21.1.
Variant type: single nucleotide variant.
Coding change: c.461C>T on transcript NM_001270.4 (MANE Select); coding-DNA position 461, C replaced by T.
Protein change: p.Ser154Leu; replaces serine 154 with leucine.
Molecular consequence: missense variant. On other transcripts: non-coding transcript variant (2).
Genome position (GRCh38, 1-based): chr5:98,901,312, G>A on the plus strand (C>T on the coding strand, the complement: CHD1 is on the minus strand). VCF-style: chr5-98901312-G-A. GRCh37 (hg19) VCF-style: chr5-98237016-G-A.
Other names: c.461C>T, p.Ser154Leu (NM_001364113.3, NM_001376194.2); short protein forms S154L.
Identifiers: ClinVar variation 1705503 (VCV001705503.1), dbSNP rs2479720379, ClinGen allele CA360522446.

ClinVar aggregate classification (germline): Uncertain significance (1 of 4 stars; one submission).

Conditions:
Pilarowski-Bjornsson syndrome. Also called: DEVELOPMENTAL DELAY AND SPEECH APRAXIA WITH OR WITHOUT SEIZURES. Identifiers: Orphanet 529965, MedGen C4540131, MONDO:0060568, OMIM 617682.

Allele frequency attached by ClinVar (database versions not stated): gnomAD exomes below 0.00001.
gnomAD v4.1: 3 of 1,607,492 alleles (0.00019%); highest among the groups gnomAD compares: South Asian, 0.0011%; no homozygotes.

Submission:

3billion
Classification: Uncertain significance for Pilarowski-Bjornsson syndrome. Last evaluated: 2022-09-01. Review status: criteria provided, single submitter. Criteria: ACMG Guidelines, 2015. Collection method: clinical testing. Allele origin: germline. Affected: yes. Observed: 1 heterozygote.
Comment: The variant is not observed in the gnomAD v2.1.1 dataset. Missense changes are a common disease-causing mechanism. Therefore, this variant is classified as uncertain significance according to the recommendation of ACMG/AMP guideline.